The following is an entry in ClinVar:

ClinVar aggregate classification (germline): Uncertain significance. Review status: criteria provided, multiple submitters, no conflicts (2 of 4 stars). 2 submissions from 2 submitters: Uncertain significance (2). Last evaluated 2025-07-29.

Conditions:
Multiple congenital exostosis (EXT). Also called: Multiple osteochondromas; MULTIPLE CARTILAGINOUS EXOSTOSES; Hereditary multiple osteochondromas; Hereditary multiple exostoses; Hereditary multiple exostosis; Multiple exostoses. Identifiers: Orphanet 321, MedGen C0015306, MONDO:0005508, HP:0002762.
Chondrosarcoma. Also called: Chondrosarcoma, somatic. Identifiers: Orphanet 55880, MedGen C0008479, MONDO:0008977, OMIM 215300, HP:0006765.

Allele frequency attached by ClinVar (database versions not stated): ExAC 0.00001; TOPMed 0.00001; ESP Exome Variant Server 0.00008.
gnomAD v4.1: 5 of 1,614,010 alleles (0.00031%); highest among the groups gnomAD compares: Admixed American, 0.0033%; no homozygotes.

Submissions (2):

Labcorp Genetics (formerly Invitae), Labcorp
Classification: Uncertain significance for Multiple congenital exostosis. Last evaluated: 2025-07-29. Review status: criteria provided, single submitter. Criteria: Invitae Variant Classification Sherloc (09022015). Collection method: clinical testing. Allele origin: germline.
Comment: This sequence change replaces threonine, which is neutral and polar, with isoleucine, which is neutral and non-polar, at codon 392 of the EXT1 protein (p.Thr392Ile). This variant is present in population databases (rs374821962, gnomAD 0.006%). This variant has not been reported in the literature in individuals affected with EXT1-related conditions. ClinVar contains an entry for this variant (Variation ID: 2675176). Invitae Evidence Modeling of protein sequence and biophysical properties (such as structural, functional, and spatial information, amino acid conservation, physicochemical variation, residue mobility, and thermodynamic stability) indicates that this missense variant is not expected to disrupt EXT1 protein function with a negative predictive value of 80%. In summary, the available evidence is currently insufficient to determine the role of this variant in disease. Therefore, it has been classified as a Variant of Uncertain Significance.

Baylor Genetics
Classification: Uncertain significance for Chondrosarcoma. Last evaluated: 2023-06-23. Review status: criteria provided, single submitter. Criteria: ACMG Guidelines, 2015. Collection method: clinical testing. Allele origin: unknown.

NM_000127.3(EXT1):c.1175C>T (p.Thr392Ile)

Gene: EXT1 (exostosin glycosyltransferase 1; minus strand). Cytogenetic location: 8q24.11.
Variant type: single nucleotide variant.
Coding change: c.1175C>T on transcript NM_000127.3 (MANE Select); coding-DNA position 1175, C replaced by T.
Protein change: p.Thr392Ile; replaces threonine 392 with isoleucine.
Molecular consequence: missense variant.
Genome position (GRCh38, 1-based): chr8:117,830,339, G>A on the plus strand (C>T on the coding strand, the complement: EXT1 is on the minus strand). VCF-style: chr8-117830339-G-A. GRCh37 (hg19) VCF-style: chr8-118842578-G-A.
Other names: short protein forms T392I.
Identifiers: ClinVar variation 2675176 (VCV002675176.4), dbSNP rs374821962, ClinGen allele CA4854209.